The following is an entry in ClinVar:

ClinVar aggregate classification (germline): Uncertain significance (1 of 4 stars; one submission).

Allele frequency attached by ClinVar (database versions not stated): gnomAD exomes 0.00001.
gnomAD v4.1: 7 of 1,613,538 alleles (0.00043%); highest among the groups gnomAD compares: Non-Finnish European, 0.00059%; no homozygotes.

Submission:

Labcorp Genetics (formerly Invitae), Labcorp
Classification: Uncertain significance. Last evaluated: 2023-01-06. Review status: criteria provided, single submitter. Criteria: Invitae Variant Classification Sherloc (09022015). Collection method: clinical testing. Allele origin: germline.
Comment: This sequence change replaces alanine, which is neutral and non-polar, with glutamic acid, which is acidic and polar, at codon 2874 of the HMCN1 protein (p.Ala2874Glu). In summary, the available evidence is currently insufficient to determine the role of this variant in disease. Therefore, it has been classified as a Variant of Uncertain Significance. Algorithms developed to predict the effect of missense changes on protein structure and function are either unavailable or do not agree on the potential impact of this missense change (SIFT: "Deleterious"; PolyPhen-2: "Probably Damaging"; Align-GVGD: "Class C0"). This variant has not been reported in the literature in individuals affected with HMCN1-related conditions. This variant is not present in population databases (gnomAD no frequency).

NM_031935.3(HMCN1):c.8621C>A (p.Ala2874Glu)

Gene: HMCN1 (hemicentin 1; plus strand). Cytogenetic location: 1q31.1.
Variant type: single nucleotide variant.
Coding change: c.8621C>A on transcript NM_031935.3 (MANE Select); coding-DNA position 8621, C replaced by A.
Protein change: p.Ala2874Glu; replaces alanine 2874 with glutamic acid.
Molecular consequence: missense variant.
Genome position (GRCh38, 1-based): chr1:186,081,228, C>A. VCF-style: chr1-186081228-C-A. GRCh37 (hg19) VCF-style: chr1-186050360-C-A.
Other names: short protein forms A2874E.
Identifiers: ClinVar variation 2998465 (VCV002998465.3), dbSNP rs2527859830, ClinGen allele CA343914176.
Genomic context (GRCh38, chr1:186,081,228, plus strand): 5'-GTTGCCCATTTTTCTCCCTTTGTTGCAATCCTTTGTTAGTGCCGCCAATTATCAAGGGAG[C>A]AAATAGTGATCTCCCTGAAGAGGTCACCGTGCTGGTGAACAAGAGTGCACTGATAGAGTG-3'
Protein context (NP_114141.2, residues 2864-2884): RVLVPPIIKG[Ala2874Glu]NSDLPEEVTV